The following is an entry in ClinVar:

ClinVar aggregate classification (germline): Uncertain significance (1 of 4 stars; one submission).

Conditions:
Hereditary cancer-predisposing syndrome. Also called: Hereditary Cancer Syndrome; Hereditary neoplastic syndrome; Neoplastic Syndromes, Hereditary; Tumor predisposition. Identifiers: Orphanet 140162, MedGen C0027672, MeSH D009386, MONDO:0015356.

Submission:

Ambry Genetics
Classification: Uncertain significance for Hereditary cancer-predisposing syndrome. Last evaluated: 2020-09-23. Review status: criteria provided, single submitter. Criteria: Ambry Variant Classification Scheme 2023. Collection method: clinical testing. Allele origin: germline.
Comment: The p.L3271F variant (also known as c.9813G>T), located in coding exon 26 of the BRCA2 gene, results from a G to T substitution at nucleotide position 9813. The leucine at codon 3271 is replaced by phenylalanine, an amino acid with highly similar properties. This amino acid position is well conserved in available vertebrate species. In addition, this alteration is predicted to be tolerated by in silico analysis. Since supporting evidence is limited at this time, the clinical significance of this alteration remains unclear.

NM_000059.4(BRCA2):c.9813G>T (p.Leu3271Phe)

Gene: BRCA2 (BRCA2 DNA repair associated; plus strand). Cytogenetic location: 13q13.1.
Variant type: single nucleotide variant.
Coding change: c.9813G>T on transcript NM_000059.4 (MANE Select); coding-DNA position 9813, G replaced by T.
Protein change: p.Leu3271Phe; replaces leucine 3271 with phenylalanine.
Molecular consequence: missense variant.
Genome position (GRCh38, 1-based): chr13:32,398,326, G>T. VCF-style: chr13-32398326-G-T. GRCh37 (hg19) VCF-style: chr13-32972463-G-T.
Other names: c.9717G>T, p.Leu3239Phe (NM_001406719.1); c.9762G>T, p.Leu3254Phe (NM_001406720.1); c.4881G>T, p.Leu1627Phe (NM_001406721.1); c.3396G>T, p.Leu1132Phe (NM_001406722.1); short protein forms L1132F, L1627F, L3254F, L3271F, L3239F.
Identifiers: ClinVar variation 1768290 (VCV001768290.2), dbSNP rs2137664035, ClinGen allele CA387766195.